The following is an entry in ClinVar:

ClinVar aggregate classification (germline): Uncertain significance. Review status: criteria provided, multiple submitters, no conflicts (2 of 4 stars). 4 submissions from 4 submitters: Uncertain significance (4). Last evaluated 2026-03-24.

Conditions:
Cardiovascular phenotype. Identifiers: MedGen CN230736.
Long QT syndrome 13 (LQT13). Identifiers: Orphanet 101016, Orphanet 768, MedGen C3150733, MONDO:0013279, OMIM 613485.
Familial hyperaldosteronism type III. Also called: Familial hyperaldosteronism type 3; FH III. Identifiers: Orphanet 251274, MedGen C3838758, MONDO:0013359, OMIM 613677.
Long QT syndrome (LQTS). Identifiers: MedGen C0023976, MeSH D008133, MONDO:0002442. Disease mechanism: loss of function. Inheritance: Various modes of inheritance.

Allele frequency attached by ClinVar (database versions not stated): gnomAD exomes below 0.00001.
gnomAD v4.1: 8 of 1,614,230 alleles (0.0005%); highest among the groups gnomAD compares: Non-Finnish European, 0.00068%; no homozygotes.

Submissions (4):

Ambry Genetics
Classification: Uncertain significance for Cardiovascular phenotype. Last evaluated: 2026-03-24. Review status: criteria provided, single submitter. Criteria: Ambry Variant Classification Scheme 2023. Collection method: clinical testing. Allele origin: germline.
Comment: The p.M323T variant (also known as c.968T>C), located in coding exon 2 of the KCNJ5 gene, results from a T to C substitution at nucleotide position 968. The methionine at codon 323 is replaced by threonine, an amino acid with similar properties. This amino acid position is not well conserved in available vertebrate species. In addition, this alteration is predicted to be tolerated by in silico analysis. Based on the available evidence, the clinical significance of this variant remains unclear.

Fulgent Genetics
Classification: Uncertain significance for Long QT syndrome 13; Familial hyperaldosteronism type III. Last evaluated: 2024-03-06. Review status: criteria provided, single submitter. Criteria: ACMG Guidelines, 2015. Collection method: clinical testing. Allele origin: germline.

Labcorp Genetics (formerly Invitae), Labcorp
Classification: Uncertain significance for Long QT syndrome. Last evaluated: 2022-02-27. Review status: criteria provided, single submitter. Criteria: Invitae Variant Classification Sherloc (09022015). Collection method: clinical testing. Allele origin: germline.
Comment: This sequence change replaces methionine, which is neutral and non-polar, with threonine, which is neutral and polar, at codon 323 of the KCNJ5 protein (p.Met323Thr). This variant is present in population databases (no rsID available, gnomAD 0.0009%). This variant has not been reported in the literature in individuals affected with KCNJ5-related conditions. ClinVar contains an entry for this variant (Variation ID: 303632). Advanced modeling of protein sequence and biophysical properties (such as structural, functional, and spatial information, amino acid conservation, physicochemical variation, residue mobility, and thermodynamic stability) performed at Invitae indicates that this missense variant is not expected to disrupt KCNJ5 protein function. In summary, the available evidence is currently insufficient to determine the role of this variant in disease. Therefore, it has been classified as a Variant of Uncertain Significance.

Illumina Laboratory Services, Illumina
Classification: Uncertain significance for Familial hyperaldosteronism type III. Last evaluated: 2018-01-12. Review status: criteria provided, single submitter. Criteria: ICSL Variant Classification Criteria 13 December 2019. Collection method: clinical testing. Allele origin: germline.

NM_000890.5(KCNJ5):c.968T>C (p.Met323Thr)

Gene: KCNJ5 (potassium inwardly rectifying channel subfamily J member 5; plus strand). Cytogenetic location: 11q24.3.
Variant type: single nucleotide variant.
Coding change: c.968T>C on transcript NM_000890.5 (MANE Select); coding-DNA position 968, T replaced by C.
Protein change: p.Met323Thr; replaces methionine 323 with threonine.
Molecular consequence: missense variant.
Genome position (GRCh38, 1-based): chr11:128,916,439, T>C. VCF-style: chr11-128916439-T-C. GRCh37 (hg19) VCF-style: chr11-128786334-T-C.
Other names: c.968T>C (LRG_333t1); c.968T>C, p.Met323Thr (NM_001354169.2); short protein forms M323T.
Identifiers: ClinVar variation 303632 (VCV000303632.12), dbSNP rs886048011, ClinGen allele CA10637882.